The following is an entry in ClinVar:

ClinVar aggregate classification (germline): Benign (1 of 4 stars; one submission).

Conditions:
Familial cold autoinflammatory syndrome 2 (FCAS2). Identifiers: Orphanet 247868, MedGen C2673198, MONDO:0012724, OMIM 611762.

Allele frequency attached by ClinVar (database versions not stated): gnomAD exomes 0.00091; 1000 Genomes Project 0.00799; gnomAD 0.00799 and 0.00877; TOPMed 0.00876; 1000 Genomes Project 30x 0.00906.

Submission:

Illumina Laboratory Services, Illumina
Classification: Benign for Familial cold autoinflammatory syndrome 2. Last evaluated: 2018-01-12. Review status: criteria provided, single submitter. Criteria: ICSL Variant Classification Criteria 13 December 2019. Collection method: clinical testing. Allele origin: germline.
Comment: This variant was observed in the ICSL laboratory as part of a predisposition screen in an ostensibly healthy population. It had not been previously curated by ICSL or reported in the Human Gene Mutation Database (HGMD: prior to June 1st, 2018), and was therefore a candidate for classification through an automated scoring system. Utilizing variant allele frequency, disease prevalence and penetrance estimates, and inheritance mode, an automated score was calculated to assess if this variant is too frequent to cause the disease. Based on the score and internal cut-off values, a variant classified as benign is not then subjected to further curation. The score for this variant resulted in a classification of benign for this disease.

NM_144687.4(NLRP12):c.*203T>C

Gene: NLRP12 (NLR family pyrin domain containing 12; minus strand). Cytogenetic location: 19q13.42.
Variant type: single nucleotide variant.
Coding change: c.*203T>C on transcript NM_144687.4 (MANE Select); 203 bases downstream of the stop codon, T replaced by C.
Molecular consequence: 3 prime UTR variant.
Genome position (GRCh38, 1-based): chr19:53,793,846, A>G on the plus strand (T>C on the coding strand, the complement: NLRP12 is on the minus strand). VCF-style: chr19-53793846-A-G. GRCh37 (hg19) VCF-style: chr19-54297100-A-G.
Other names: c.*203T>C (NM_001277126.2, NM_001277129.1).
Identifiers: ClinVar variation 329993 (VCV000329993.5), dbSNP rs116411892, ClinGen allele CA10649014.